The following is an entry in ClinVar:

ClinVar aggregate classification (germline): Uncertain significance. Review status: criteria provided, multiple submitters, no conflicts (2 of 4 stars). 2 submissions from 2 submitters: Uncertain significance (2). Last evaluated 2025-10-07.

gnomAD v4.1: 15 of 1,612,344 alleles (0.00093%); highest among the groups gnomAD compares: South Asian, 0.0044%; no homozygotes.

Submissions (2):

Ambry Genetics
Classification: Uncertain significance. Last evaluated: 2025-10-07. Review status: criteria provided, single submitter. Criteria: Ambry Variant Classification Scheme 2023. Collection method: clinical testing. Allele origin: germline.

Labcorp Genetics (formerly Invitae), Labcorp
Classification: Uncertain significance. Last evaluated: 2024-09-16. Review status: criteria provided, single submitter. Criteria: Invitae Variant Classification Sherloc (09022015). Collection method: clinical testing. Allele origin: germline.
Comment: This sequence change replaces arginine, which is basic and polar, with histidine, which is basic and polar, at codon 67 of the MRPL40 protein (p.Arg67His). This variant is present in population databases (rs557010765, gnomAD 0.003%). This variant has not been reported in the literature in individuals affected with MRPL40-related conditions. An algorithm developed to predict the effect of missense changes on protein structure and function (PolyPhen-2) suggests that this variant is likely to be disruptive. In summary, the available evidence is currently insufficient to determine the role of this variant in disease. Therefore, it has been classified as a Variant of Uncertain Significance.

NM_003776.4(MRPL40):c.200G>A (p.Arg67His)

Gene: MRPL40 (mitochondrial ribosomal protein L40; plus strand). Cytogenetic location: 22q11.21.
Variant type: single nucleotide variant.
Coding change: c.200G>A on transcript NM_003776.4 (MANE Select); coding-DNA position 200, G replaced by A.
Protein change: p.Arg67His; replaces arginine 67 with histidine.
Molecular consequence: missense variant.
Genome position (GRCh38, 1-based): chr22:19,434,798, G>A. VCF-style: chr22-19434798-G-A. GRCh37 (hg19) VCF-style: chr22-19422321-G-A.
Other names: c.68G>A, p.Arg23His (NM_001318151.2); c.200G>A (NM_003776.2); short protein forms R23H, R67H.
Identifiers: ClinVar variation 3711541 (VCV003711541.3).
Genomic context (GRCh38, chr22:19,434,798, plus strand): 5'-CAGAACCTCTTCGAAAAAAGAAGAAGGTAGATCCTAAAAAAGACCAAGAAGCAAAGGAGC[G>A]CTTGAAAAGGAAGATCCGAAAACTGGAAAAGGCTACTCAAGAGCTAATTCCTATTGAAGA-3'
Protein context (NP_003767.2, residues 57-77): DPKKDQEAKE[Arg67His]LKRKIRKLEK